The following is an entry in ClinVar:

NM_001754.5(RUNX1):c.1219T>A (p.Tyr407Asn)

Gene: RUNX1 (RUNX family transcription factor 1; minus strand). Cytogenetic location: 21q22.12.
Variant type: single nucleotide variant.
Coding change: c.1219T>A on transcript NM_001754.5 (MANE Select); coding-DNA position 1219, T replaced by A.
Protein change: p.Tyr407Asn; replaces tyrosine 407 with asparagine.
Molecular consequence: missense variant.
Genome position (GRCh38, 1-based): chr21:34,792,359, A>T on the plus strand (T>A on the coding strand, the complement: RUNX1 is on the minus strand). VCF-style: chr21-34792359-A-T. GRCh37 (hg19) VCF-style: chr21-36164656-A-T.
Other names: NM_001754.5(RUNX1):c.1219T>A; p.Tyr407Asn; c.1138T>A, p.Tyr380Asn (NM_001001890.3); short protein forms Y380N, Y407N.
Identifiers: ClinVar variation 1338109 (VCV001338109.5), dbSNP rs1262717333, ClinGen allele CA410147753.

ClinVar aggregate classification (germline): Uncertain significance. Review status: reviewed by expert panel (3 of 4 stars). 2 submissions from 2 submitters: Uncertain significance (1). 1 of the submissions does not count toward it. Last evaluated 2024-08-12.

Conditions:
Hereditary thrombocytopenia and hematologic cancer predisposition syndrome. Identifiers: Orphanet 71290, MedGen CN281654, MONDO:0011071.

Submissions (2):

ClinGen Myeloid Malignancy Variant Curation Expert Panel
Classification: Uncertain significance for Hereditary thrombocytopenia and hematologic cancer predisposition syndrome. Last evaluated: 2024-08-12. Review status: reviewed by expert panel. Criteria: ClinGen MyeloMalig ACMG Specifications v2. Collection method: curation. Allele origin: germline. Inheritance: Autosomal dominant inheritance.
Comment: The c.1219T>A (NM_001754.5) variant in RUNX1 is a missense variant predicted to cause substitution of tyrosine by asparagine at amino acid 407 (p.Y407N). This variant is absent from gnomAD v2 and v3 (PM2_Supporting) but also has not been reported in the literature. The computational predictor REVEL gives a score of 0.565, which is neither above nor below the thresholds predicting a damaging or benign impact on RUNX1 function, but the splice site predictor SpliceAI indicated that the variant has no impact on splicing. In summary, this variant meets the criteria to be classified as a VUS for autosomal dominant hereditary thrombocytopenia and hematologic cancer predisposition syndrome based on the ACMG/AMP criteria applied, as specified by the ClinGen Myeloid Malignancy VCEP: PM2_Supporting. (Version 2; date of approval)

Genetic Services Laboratory, University of Chicago
Classification: Uncertain significance. Last evaluated: 2021-09-27. Review status: criteria provided, single submitter. Criteria: ACMG Guidelines, 2015. Collection method: clinical testing. Allele origin: germline. Affected: no. Not counted in ClinVar's aggregate classification.